The following is an entry in ClinVar:

ClinVar aggregate classification (germline): Uncertain significance. Review status: criteria provided, multiple submitters, no conflicts (2 of 4 stars). 2 submissions from 2 submitters: Uncertain significance (2). Last evaluated 2026-02-03.

Allele frequency attached by ClinVar (database versions not stated): gnomAD exomes 0.00012 and 0.00022; ExAC 0.00024; gnomAD 0.00038 and 0.00041; ESP Exome Variant Server 0.00023; 1000 Genomes Project 30x 0.00109; TOPMed 0.00046; 1000 Genomes Project 0.00100.
gnomAD v4.1: 228 of 1,614,092 alleles (0.014%); highest among the groups gnomAD compares: African/African-American, 0.12%; 1 homozygote.

Submissions (2):

GeneDx
Classification: Uncertain significance. Last evaluated: 2026-02-03. Review status: criteria provided, single submitter. Criteria: GeneDx Variant Classification Process June 2021. Collection method: clinical testing. Allele origin: germline. Affected: yes.
Comment: In silico analysis supports that this missense variant has a deleterious effect on protein structure/function; Has not been previously published as pathogenic or benign to our knowledge

Labcorp Genetics (formerly Invitae), Labcorp
Classification: Uncertain significance. Last evaluated: 2024-12-16. Review status: criteria provided, single submitter. Criteria: Invitae Variant Classification Sherloc (09022015). Collection method: clinical testing. Allele origin: germline.
Comment: This sequence change replaces arginine, which is basic and polar, with histidine, which is basic and polar, at codon 480 of the TARS2 protein (p.Arg480His). This variant is present in population databases (rs148950017, gnomAD 0.1%). This variant has not been reported in the literature in individuals affected with TARS2-related conditions. ClinVar contains an entry for this variant (Variation ID: 1431583). Invitae Evidence Modeling of protein sequence and biophysical properties (such as structural, functional, and spatial information, amino acid conservation, physicochemical variation, residue mobility, and thermodynamic stability) indicates that this missense variant is not expected to disrupt TARS2 protein function with a negative predictive value of 80%. In summary, the available evidence is currently insufficient to determine the role of this variant in disease. Therefore, it has been classified as a Variant of Uncertain Significance.

NM_025150.5(TARS2):c.1439G>A (p.Arg480His)

Gene: TARS2 (threonyl-tRNA synthetase 2, mitochondrial; plus strand). Cytogenetic location: 1q21.2.
Variant type: single nucleotide variant.
Coding change: c.1439G>A on transcript NM_025150.5 (MANE Select); coding-DNA position 1439, G replaced by A.
Protein change: p.Arg480His; replaces arginine 480 with histidine.
Molecular consequence: missense variant. On other transcripts: non-coding transcript variant (2).
Genome position (GRCh38, 1-based): chr1:150,498,934, G>A. VCF-style: chr1-150498934-G-A. GRCh37 (hg19) VCF-style: chr1-150471410-G-A.
Other names: c.1193G>A, p.Arg398His (NM_001271895.2); c.1049G>A, p.Arg350His (NM_001271896.2); short protein forms R350H, R398H, R480H.
Identifiers: ClinVar variation 1431583 (VCV001431583.6), dbSNP rs148950017, ClinGen allele CA1077010.